The following is an entry in ClinVar:

NM_015443.4(KANSL1):c.620A>G (p.Asn207Ser)

Gene: KANSL1 (KAT8 regulatory NSL complex subunit 1). Cytogenetic location: 17q21.31.
Variant type: single nucleotide variant.
Coding change: c.620A>G on transcript NM_015443.4 (MANE Select); coding-DNA position 620, A replaced by G.
Protein change: p.Asn207Ser; replaces asparagine 207 with serine.
Molecular consequence: missense variant.
Genome position (GRCh38, 1-based): chr17:46,171,524, T>C on the plus strand (A>G on the coding strand, the complement: KANSL1 is on the minus strand). VCF-style: chr17-46171524-T-C. GRCh37 (hg19) VCF-style: chr17-44248890-T-C.
Other names: p.N207S:AAT>AGT; c.620A>G, p.Asn207Ser (NM_001193465.2, NM_001193466.2, NM_001379198.1); short protein forms N207S.
Identifiers: ClinVar variation 205806 (VCV000205806.41), dbSNP rs144882998, ClinGen allele CA315239.

ClinVar aggregate classification (germline): Benign/Likely benign. Review status: criteria provided, multiple submitters, no conflicts (2 of 4 stars). 7 submissions from 7 submitters: Benign (2); Likely benign (3). 2 of the submissions do not count toward it. Last evaluated 2025-11-01.

Conditions:
Koolen-de Vries syndrome (KDVS). Identifiers: Orphanet 96169, MedGen C1864871, MONDO:0012496, OMIM 610443.

Allele frequency attached by ClinVar (database versions not stated): ESP Exome Variant Server 0.00023; gnomAD exomes 0.00025; ExAC 0.00032; gnomAD 0.00019.
gnomAD v4.1: 713 of 1,613,538 alleles (0.044%); highest among the groups gnomAD compares: Non-Finnish European, 0.057%; no homozygotes.

Submissions (7):

CeGaT Center for Human Genetics Tuebingen
Classification: Likely benign. Last evaluated: 2025-11-01. Review status: criteria provided, single submitter. Criteria: CeGaT Center For Human Genetics Tuebingen Variant Classification Criteria Version 2. Collection method: clinical testing. Allele origin: germline. Affected: yes. Observed: 3 variant alleles.
Comment: KANSL1: BP4

Labcorp Genetics (formerly Invitae), Labcorp
Classification: Benign for Koolen-de Vries syndrome. Last evaluated: 2024-10-24. Review status: criteria provided, single submitter. Criteria: Invitae Variant Classification Sherloc (09022015). Collection method: clinical testing. Allele origin: germline.

Fulgent Genetics
Classification: Likely benign for Koolen-de Vries syndrome. Last evaluated: 2021-08-27. Review status: criteria provided, single submitter. Criteria: ACMG Guidelines, 2015. Collection method: clinical testing. Allele origin: unknown.

GeneDx
Classification: Benign. Last evaluated: 2020-01-27. Review status: criteria provided, single submitter. Criteria: GeneDx Variant Classification Process June 2021. Collection method: clinical testing. Allele origin: germline. Affected: yes.

Center for Pediatric Genomic Medicine, Children's Mercy Hospital and Clinics
Classification: Likely benign. Last evaluated: 2015-12-23. Review status: criteria provided, single submitter. Criteria: ACMG Guidelines, 2015. Collection method: clinical testing. Allele origin: germline.
ClinVar note: Converted during submission from Likely Benign to Likely benign.

Diagnostic Laboratory, Department of Genetics, University Medical Center Groningen
Classification: Likely benign. Review status: no assertion criteria provided. Collection method: clinical testing. Allele origin: germline. Affected: yes. Study: VKGL Data-share Consensus. Not counted in ClinVar's aggregate classification.

Laboratory of Diagnostic Genome Analysis, Leiden University Medical Center (LUMC)
Classification: Likely benign. Review status: no assertion criteria provided. Collection method: clinical testing. Allele origin: germline. Affected: yes. Study: VKGL Data-share Consensus. Not counted in ClinVar's aggregate classification.